The following is an entry in ClinVar:

ClinVar aggregate classification (germline): Uncertain significance (1 of 4 stars; one submission).

Allele frequency attached by ClinVar (database versions not stated): gnomAD exomes below 0.00001.
gnomAD v4.1: 1 of 1,582,140 alleles (0.000063%); highest among the groups gnomAD compares: African/African-American, 0.0014%; no homozygotes.

Submission:

Labcorp Genetics (formerly Invitae), Labcorp
Classification: Uncertain significance. Last evaluated: 2022-04-08. Review status: criteria provided, single submitter. Criteria: Invitae Variant Classification Sherloc (09022015). Collection method: clinical testing. Allele origin: germline.
Comment: This variant is not present in population databases (gnomAD no frequency). This sequence change replaces leucine, which is neutral and non-polar, with valine, which is neutral and non-polar, at codon 115 of the SLC30A10 protein (p.Leu115Val). This variant has not been reported in the literature in individuals affected with SLC30A10-related conditions. In summary, the available evidence is currently insufficient to determine the role of this variant in disease. Therefore, it has been classified as a Variant of Uncertain Significance. Algorithms developed to predict the effect of missense changes on protein structure and function are either unavailable or do not agree on the potential impact of this missense change (SIFT: "Tolerated"; PolyPhen-2: "Probably Damaging"; Align-GVGD: "Class C0").

NM_018713.3(SLC30A10):c.343C>G (p.Leu115Val)

Gene: SLC30A10 (solute carrier family 30 member 10; minus strand). Cytogenetic location: 1q41.
Variant type: single nucleotide variant.
Coding change: c.343C>G on transcript NM_018713.3 (MANE Select); coding-DNA position 343, C replaced by G.
Protein change: p.Leu115Val; replaces leucine 115 with valine.
Molecular consequence: missense variant. On other transcripts: non-coding transcript variant (1), intron variant (1).
Genome position (GRCh38, 1-based): chr1:219,928,098, G>C on the plus strand (C>G on the coding strand, the complement: SLC30A10 is on the minus strand). VCF-style: chr1-219928098-G-C. GRCh37 (hg19) VCF-style: chr1-220101440-G-C.
Other names: c.452-993C>G (NM_001376929.1); short protein forms L115V.
Identifiers: ClinVar variation 1517761 (VCV001517761.8), dbSNP rs1659890907, ClinGen allele CA344733829.
Genomic context (GRCh38, chr1:219,928,098, plus strand): 5'-GGAAGATGAGCAGCCCCACCACGTTGACCAACAGCCCCAGGACGCCGACGATGAGCACCA[G>C]CTCGGGGTCATCGATGCGCTCGGGCCGGGCCAGGCGCAGCACGGCCTCCACGAAGATGGT-3'
Protein context (NP_061183.2, residues 105-125): ARPERIDDPE[Leu115Val]VLIVGVLGLL